The following is an entry in ClinVar:

ClinVar aggregate classification (germline): Conflicting classifications of pathogenicity. Review status: criteria provided, conflicting classifications (1 of 4 stars). 6 submissions from 6 submitters: Likely pathogenic (1); Uncertain significance (5). Last evaluated 2026-01-15.

Conditions:
Transient bullous dermolysis of the newborn (TBDN). Also called: EPIDERMOLYSIS BULLOSA DYSTROPHICA, NEONATAL FORM; DYSTROPHIC EPIDERMOLYSIS BULLOSA, NEONATAL. Identifiers: Orphanet 79411, MedGen C1851573, MONDO:0007548, OMIM 131705.
Recessive dystrophic epidermolysis bullosa (RDEB). Also called: Recessive DEB (RDEB); DYSTROPHIC EPIDERMOLYSIS BULLOSA, AUTOSOMAL RECESSIVE; EPIDERMOLYSIS BULLOSA DYSTROPHICA, HALLOPEAU-SIEMENS TYPE; Epidermolysis Bullosa Distrophica Autosomal Recessive (RDEB); Hallopeau-Siemens Disease; severe generalized recessive dystrophic epidermolysis bullosa. Identifiers: Orphanet 79408, Orphanet 79409, MedGen C0079474, MONDO:0009179, OMIM 226600.
Nonsyndromic congenital nail disorder 8. Also called: TOENAIL DYSTROPHY, ISOLATED. Identifiers: MedGen C1843761, MONDO:0011852, OMIM 607523.
Epidermolysis bullosa pruriginosa. Also called: DEB, PRURIGINOSA; DYSTROPHIC EPIDERMOLYSIS BULLOSA PRURIGINOSA. Identifiers: Orphanet 89843, MedGen C1275114, MONDO:0011398, OMIM 604129.
Pretibial dystrophic epidermolysis bullosa. Also called: EPIDERMOLYSIS BULLOSA DYSTROPHICA, PRETIBIAL; Pretibial epidermolysis bullosa; Pretibial blistering. Identifiers: Orphanet 79410, MedGen C0432321, MONDO:0007552, OMIM 131850, HP:0012221.
Dominant dystrophic epidermolysis bullosa with absence of skin. Also called: EPIDERMOLYSIS BULLOSA DYSTROPHICA, BART TYPE; EPIDERMOLYSIS BULLOSA WITH CONGENITAL LOCALIZED ABSENCE OF SKIN AND DEFORMITY OF NAILS. Identifiers: MedGen C0268371, MONDO:0007557, OMIM 132000.
Generalized dominant dystrophic epidermolysis bullosa (DDEB). Also called: Dominant DEB (DDEB); DDEB, generalized; DDEB-gen; DYSTROPHIC EPIDERMOLYSIS BULLOSA, AUTOSOMAL DOMINANT; Epidermolysis bullosa dystrophica, autosomal dominant. Identifiers: Orphanet 231568, MedGen C0432322, MONDO:0007549, OMIM 131750.

Allele frequency attached by ClinVar (database versions not stated): ExAC 0.00003; gnomAD 0.00003; gnomAD exomes 0.00003 and 0.00006; TOPMed 0.00007; 1000 Genomes Project 30x 0.00016; 1000 Genomes Project 0.00020.
gnomAD v4.1: 53 of 1,614,000 alleles (0.0033%); highest among the groups gnomAD compares: Admixed American, 0.018%; no homozygotes.

Submissions (6):

Women's Health and Genetics/Laboratory Corporation of America, LabCorp
Classification: Uncertain significance. Last evaluated: 2026-01-15. Review status: criteria provided, single submitter. Criteria: LabCorp Variant Classification Summary - May 2015. Collection method: clinical testing. Allele origin: germline.
Comment: Variant summary: COL7A1 c.3841G>A (p.Gly1281Ser) results in a non-conservative amino acid change in the encoded protein sequence. Algorithms developed to predict the effect of missense changes on protein structure and function all suggest that this variant is likely to be disruptive. The variant allele was found at a frequency of 5.6e-05 in 251076 control chromosomes. This frequency is not significantly higher than estimated for disease-causing variants in COL7A1, allowing no conclusion about variant significance. To our knowledge, no occurrence of c.3841G>A in individuals affected with COL7A1-related conditions and no experimental evidence demonstrating its impact on protein function have been reported. Glycine residues within the Gly-Xaa-Yaa repeats of the triple helix domain are required for the structure and stability of fibrillar collagens (PMID: 7695699, 8218237, 19344236), and variants at these glycine residues in COL7A1 are more frequently observed in individuals with disease than in the general population (PMID: 22058051). However, the clinical significance of this observation remains uncertain since only a limited number of affected individuals have been described to date. ClinVar contains an entry for this variant (Variation ID: 1032185). Based on the evidence outlined above, the variant was classified as uncertain significance.

GeneDx
Classification: Uncertain significance. Last evaluated: 2025-05-15. Review status: criteria provided, single submitter. Criteria: GeneDx Variant Classification Process June 2021. Collection method: clinical testing. Allele origin: germline. Affected: yes.
Comment: Located in the highly conserved Gly-X-Y repeat of the collagenous domain; Glycine substitution variants in this region of the COLVII protein destabilize the collagen triple helix resulting in skin fragility due to poor anchoring of the basement membrane to the underlying dermis (PMID: 20301481); In silico analysis supports that this missense variant has a deleterious effect on protein structure/function; Has not been previously published as pathogenic or benign to our knowledge; This variant is associated with the following publications: (PMID: 20301481)

Fulgent Genetics
Classification: Likely pathogenic for Transient bullous dermolysis of the newborn; Generalized dominant dystrophic epidermolysis bullosa; Pretibial dystrophic epidermolysis bullosa; Dominant dystrophic epidermolysis bullosa with absence of skin; Recessive dystrophic epidermolysis bullosa; Epidermolysis bullosa pruriginosa; Nonsyndromic congenital nail disorder 8. Last evaluated: 2024-03-18. Review status: criteria provided, single submitter. Criteria: ACMG Guidelines, 2015. Collection method: clinical testing. Allele origin: germline.

Labcorp Genetics (formerly Invitae), Labcorp
Classification: Uncertain significance. Last evaluated: 2022-09-23. Review status: criteria provided, single submitter. Criteria: Invitae Variant Classification Sherloc (09022015). Collection method: clinical testing. Allele origin: germline.
Comment: This sequence change replaces glycine, which is neutral and non-polar, with serine, which is neutral and polar, at codon 1281 of the COL7A1 protein (p.Gly1281Ser). This variant is present in population databases (rs569641113, gnomAD 0.04%). This variant has not been reported in the literature in individuals affected with COL7A1-related conditions. ClinVar contains an entry for this variant (Variation ID: 1032185). Advanced modeling of protein sequence and biophysical properties (such as structural, functional, and spatial information, amino acid conservation, physicochemical variation, residue mobility, and thermodynamic stability) has been performed at Invitae for this missense variant, however the output from this modeling did not meet the statistical confidence thresholds required to predict the impact of this variant on COL7A1 protein function. This variant disrupts the triple helix domain of COL7A1. Glycine residues within the Gly-Xaa-Yaa repeats of the triple helix domain are required for the structure and stability of fibrillar collagens (PMID: 7695699, 8218237, 19344236), and variants at these glycine residues in COL7A1 are more frequently observed in individuals with disease than in the general population (PMID: 22058051). However, the clinical significance of this observation remains uncertain since only a limited number of affected individuals have been described to date. In summary, the available evidence is currently insufficient to determine the role of this variant in disease. Therefore, it has been classified as a Variant of Uncertain Significance.

Revvity Omics, Revvity
Classification: Uncertain significance. Last evaluated: 2021-12-03. Review status: criteria provided, single submitter. Criteria: ACMG Guidelines, 2015. Collection method: clinical testing. Allele origin: germline.

Baylor Genetics
Classification: Uncertain significance for Recessive dystrophic epidermolysis bullosa. Last evaluated: 2018-10-05. Review status: criteria provided, single submitter. Criteria: ACMG Guidelines, 2015. Collection method: clinical testing. Allele origin: maternal. Affected: yes.
Comment: This variant was determined to be of uncertain significance according to ACMG Guidelines, 2015 [PMID:25741868].

Literature cited by the submitters: PubMed 7695699 (cited by Labcorp Genetics (formerly Invitae), Labcorp); PubMed 8218237 (cited by Labcorp Genetics (formerly Invitae), Labcorp); PubMed 19344236 (cited by Labcorp Genetics (formerly Invitae), Labcorp); PubMed 22058051 (cited by Labcorp Genetics (formerly Invitae), Labcorp).

NM_000094.4(COL7A1):c.3841G>A (p.Gly1281Ser)

Gene: COL7A1 (collagen type VII alpha 1 chain; minus strand). Cytogenetic location: 3p21.31.
Variant type: single nucleotide variant.
Coding change: c.3841G>A on transcript NM_000094.4 (MANE Select); coding-DNA position 3841, G replaced by A.
Protein change: p.Gly1281Ser; replaces glycine 1281 with serine.
Molecular consequence: missense variant.
Genome position (GRCh38, 1-based): chr3:48,585,610, C>T on the plus strand (G>A on the coding strand, the complement: COL7A1 is on the minus strand). VCF-style: chr3-48585610-C-T. GRCh37 (hg19) VCF-style: chr3-48623043-C-T.
Other names: short protein forms G1281S.
Identifiers: ClinVar variation 1032185 (VCV001032185.11), dbSNP rs569641113, ClinGen allele CA2380361.
Genomic context (GRCh38, chr3:48,585,610, plus strand): 5'-CACTCACCCTCTCGCCCTTGGCAGTGGCACTTCCAGGGGGCCCCTGGGGGCCGGGAGCAC[C>T]GGTCCTGCCCTGAAAGAAGATAGCAGTTAGGTGGGGATAAGCCAGTCAGGGTGCAGGGAC-3'
Protein context (NP_000085.1, residues 1271-1291): PGDPGLPGRT[Gly1281Ser]APGPQGPPGS